The following is an entry in ClinVar:

NM_000218.3(KCNQ1):c.605-182T>G

Gene: KCNQ1 (potassium voltage-gated channel subfamily Q member 1; plus strand). Cytogenetic location: 11p15.5.
Variant type: single nucleotide variant.
Coding change: c.605-182T>G on transcript NM_000218.3 (MANE Select); 182 bases into the intron before coding-DNA position 605, T replaced by G.
Molecular consequence: intron variant.
Genome position (GRCh38, 1-based): chr11:2,571,143, T>G. VCF-style: chr11-2571143-T-G. GRCh37 (hg19) VCF-style: chr11-2592373-T-G.
Other names: c.335-182T>G (NM_001406837.1); c.605-182T>G (NM_001406836.1); c.478-12292T>G (NM_001406838.1); c.224-182T>G (NM_181798.2).
Identifiers: ClinVar variation 674333 (VCV000674333.4), dbSNP rs73404679, ClinGen allele CA13406507.

ClinVar aggregate classification (germline): Benign. Review status: criteria provided, multiple submitters, no conflicts (2 of 4 stars). 2 submissions from 2 submitters: Benign (2). Last evaluated 2018-06-14.

Allele frequency attached by ClinVar (database versions not stated): 1000 Genomes Project 0.05611; 1000 Genomes Project 30x 0.05981; gnomAD 0.06174 and 0.06635; TOPMed 0.06843.
gnomAD v4.1: 9,351 of 152,186 alleles (6.1%); highest among the groups gnomAD compares: African/African-American, 18%; 708 homozygotes.

Submissions (2):

GeneDx
Classification: Benign. Last evaluated: 2018-06-14. Review status: criteria provided, single submitter. Criteria: GeneDx Variant Classification (06012015). Collection method: clinical testing. Allele origin: germline. Affected: yes.
Comment: This variant is considered likely benign or benign based on one or more of the following criteria: it is a conservative change, it occurs at a poorly conserved position in the protein, it is predicted to be benign by multiple in silico algorithms, and/or has population frequency not consistent with disease.

Breakthrough Genomics
Classification: Benign. Review status: criteria provided, single submitter. Criteria: ACMG Guidelines, 2015. Collection method: not provided. Allele origin: germline. Inheritance: Autosomal recessive inheritance. Affected: yes.